The following is an entry in ClinVar:

NM_004260.4(RECQL4):c.2140G>C (p.Glu714Gln)

Gene: RECQL4 (RecQ like helicase 4; minus strand). Cytogenetic location: 8q24.3.
Variant type: single nucleotide variant.
Coding change: c.2140G>C on transcript NM_004260.4 (MANE Select); coding-DNA position 2140, G replaced by C.
Protein change: p.Glu714Gln; replaces glutamic acid 714 with glutamine.
Molecular consequence: missense variant. On other transcripts: non-coding transcript variant (2).
Genome position (GRCh38, 1-based): chr8:144,513,631, C>G on the plus strand (G>C on the coding strand, the complement: RECQL4 is on the minus strand). VCF-style: chr8-144513631-C-G. GRCh37 (hg19) VCF-style: chr8-145739015-C-G.
Other names: c.2044G>C, p.Glu682Gln (NM_001413017.1, NM_001413020.1); c.2140G>C, p.Glu714Gln (NM_001413018.1, NM_001413019.1, NM_001413036.1); c.1069G>C, p.Glu357Gln (NM_001413021.1, NM_001413022.1, NM_001413023.1 and 6 more transcripts); c.2011G>C, p.Glu671Gln (NM_001413025.1); c.1003G>C, p.Glu335Gln (NM_001413027.1, NM_001413030.1, NM_001413032.1 and 1 more transcripts); c.1789G>C, p.Glu597Gln (NM_001413029.1); c.871G>C, p.Glu291Gln (NM_001413031.1); c.2008G>C, p.Glu670Gln (NM_001413033.1); and 4 more; short protein forms E347Q, E597Q, E291Q, E670Q, E671Q, E313Q, E357Q, E704Q.
Identifiers: ClinVar variation 3787950 (VCV003787950.1).
Genomic context (GRCh38, chr8:144,513,631, plus strand): 5'-CTCCAGACCCTGGGACCCAGGCTGCGTGCAGGCAGGTTCGGAGGAGCGCAGCGATCCGCT[C>G]TGTGTCCTCGCGCCGGTTGCAGTAAATGATAATGGAATCGAGGTTTTGAAAACGTTTGCC-3'
Protein context (NP_004251.4, residues 704-724): IIYCNRREDT[Glu714Gln]RIAALLRTCL

ClinVar aggregate classification (germline): Uncertain significance (1 of 4 stars; one submission).

Conditions:
Inborn genetic diseases. Identifiers: MedGen C0950123, MeSH D030342.

Submission:

Ambry Genetics
Classification: Uncertain significance for Inborn genetic diseases. Last evaluated: 2024-12-19. Review status: criteria provided, single submitter. Criteria: Ambry Variant Classification Scheme 2023. Collection method: clinical testing. Allele origin: germline.
Comment: The p.E714Q variant (also known as c.2140G>C), located in coding exon 13 of the RECQL4 gene, results from a G to C substitution at nucleotide position 2140. The glutamic acid at codon 714 is replaced by glutamine, an amino acid with highly similar properties. This amino acid position is conserved. In addition, this alteration is predicted to be tolerated by in silico analysis. Based on the available evidence, the clinical significance of this variant remains unclear.